The following is an entry in ClinVar:

NM_001267550.2(TTN):c.68825-9T>C

Genes: TTN-AS1 (TTN antisense RNA 1; plus strand), TTN (titin; minus strand). Cytogenetic location: 2q31.2.
Variant type: single nucleotide variant.
Coding change: c.68825-9T>C on transcript NM_001267550.2 (MANE Select); 9 bases into the intron before coding-DNA position 68825, T replaced by C.
Molecular consequence: intron variant.
Genome position (GRCh38, 1-based): chr2:178,577,519, A>G on the plus strand (T>C on the coding strand, the complement: TTN is on the minus strand). VCF-style: chr2-178577519-A-G. GRCh37 (hg19) VCF-style: chr2-179442246-A-G.
Other names: c.41630-9T>C (NM_003319.4); c.42206-9T>C (NM_133437.4); c.42005-9T>C (NM_133432.3); c.61121-9T>C (NM_133378.4); c.63902-9T>C (NM_001256850.1).
Identifiers: ClinVar variation 511573 (VCV000511573.6), dbSNP rs373981349, ClinGen allele CA61004934.

ClinVar aggregate classification (germline): Likely benign. Review status: criteria provided, multiple submitters, no conflicts (2 of 4 stars). 2 submissions from 2 submitters: Likely benign (2). Last evaluated 2025-04-13.

Conditions:
Dilated cardiomyopathy 1G (CMD1G). Identifiers: Orphanet 154, MedGen C1858763, MONDO:0011400, OMIM 604145.
Autosomal recessive limb-girdle muscular dystrophy type 2J (LGMDR10). Also called: Limb-girdle muscular dystrophy, type 2J; MUSCULAR DYSTROPHY, LIMB-GIRDLE, AUTOSOMAL RECESSIVE 10. Identifiers: Orphanet 140922, MedGen C1837342, MONDO:0012127, OMIM 608807.

Allele frequency attached by ClinVar (database versions not stated): gnomAD exomes below 0.00001; TOPMed 0.00003; ESP Exome Variant Server 0.00008.
gnomAD v4.1: 3 of 1,558,818 alleles (0.00019%); highest among the groups gnomAD compares: Non-Finnish European, 0.00026%; no homozygotes.

Submissions (2):

Labcorp Genetics (formerly Invitae), Labcorp
Classification: Likely benign for Dilated cardiomyopathy 1G; Autosomal recessive limb-girdle muscular dystrophy type 2J. Last evaluated: 2025-04-13. Review status: criteria provided, single submitter. Criteria: Invitae Variant Classification Sherloc (09022015). Collection method: clinical testing. Allele origin: germline.

GeneDx
Classification: Likely benign. Last evaluated: 2017-08-24. Review status: criteria provided, single submitter. Criteria: GeneDx Variant Classification (06012015). Collection method: clinical testing. Allele origin: germline. Affected: yes.
Comment: This variant is considered likely benign or benign based on one or more of the following criteria: it is a conservative change, it occurs at a poorly conserved position in the protein, it is predicted to be benign by multiple in silico algorithms, and/or has population frequency not consistent with disease.